The following is an entry in ClinVar:

ClinVar aggregate classification (germline): Likely pathogenic (1 of 4 stars; one submission).

Conditions:
Long QT syndrome (LQTS). Identifiers: MedGen C0023976, MeSH D008133, MONDO:0002442. Disease mechanism: loss of function. Inheritance: Various modes of inheritance.

Submission:

Labcorp Genetics (formerly Invitae), Labcorp
Classification: Likely pathogenic for Long QT syndrome. Last evaluated: 2025-01-28. Review status: criteria provided, single submitter. Criteria: Invitae Variant Classification Sherloc (09022015). Collection method: clinical testing. Allele origin: germline.
Comment: This sequence change replaces leucine, which is neutral and non-polar, with proline, which is neutral and non-polar, at codon 273 of the KCNQ1 protein (p.Leu273Pro). This variant is not present in population databases (gnomAD no frequency). This variant has not been reported in the literature in individuals affected with KCNQ1-related conditions. ClinVar contains an entry for this variant (Variation ID: 405254). Invitae Evidence Modeling of protein sequence and biophysical properties (such as structural, functional, and spatial information, amino acid conservation, physicochemical variation, residue mobility, and thermodynamic stability) indicates that this missense variant is expected to disrupt KCNQ1 protein function with a positive predictive value of 95%. This variant disrupts the p.Leu273 amino acid residue in KCNQ1. Other variant(s) that disrupt this residue have been determined to be pathogenic (PMID: 11278406, 22949429, 24372464, 25645639). This suggests that this residue is clinically significant, and that variants that disrupt this residue are likely to be disease-causing. In summary, the currently available evidence indicates that the variant is pathogenic, but additional data are needed to prove that conclusively. Therefore, this variant has been classified as Likely Pathogenic.

Literature cited by the submitters: PubMed 11278406; PubMed 22949429; PubMed 24372464; PubMed 25645639.

NM_000218.3(KCNQ1):c.818T>C (p.Leu273Pro)

Gene: KCNQ1 (potassium voltage-gated channel subfamily Q member 1; plus strand). Cytogenetic location: 11p15.5.
Variant type: single nucleotide variant.
Coding change: c.818T>C on transcript NM_000218.3 (MANE Select); coding-DNA position 818, T replaced by C.
Protein change: p.Leu273Pro; replaces leucine 273 with proline.
Molecular consequence: missense variant.
Genome position (GRCh38, 1-based): chr11:2,572,883, T>C. VCF-style: chr11-2572883-T-C. GRCh37 (hg19) VCF-style: chr11-2594113-T-C.
Other names: c.818T>C, p.Leu273Pro (NM_001406836.1); c.548T>C, p.Leu183Pro (NM_001406837.1); c.437T>C, p.Leu146Pro (NM_181798.2); short protein forms L273P, L146P, L183P.
Identifiers: ClinVar variation 405254 (VCV000405254.10), dbSNP rs199472727, ClinGen allele CA16613286.
Genomic context (GRCh38, chr11:2,572,883, plus strand): 5'-ACACTGTGTGTTTTCTGGCCTAGGAGCTGATAACCACCCTGTACATCGGCTTCCTGGGCC[T>C]CATCTTCTCCTCGTACTTTGTGTACCTGGCTGAGAAGGACGCGGTGAACGAGTCAGGCCG-3'
Protein context (NP_000209.2, residues 263-283): ITTLYIGFLG[Leu273Pro]IFSSYFVYLA